The following is an entry in ClinVar:

ClinVar aggregate classification (germline): Uncertain significance (1 of 4 stars; one submission).

Conditions:
Hajdu-Cheney syndrome (HJCYS). Also called: SERPENTINE FIBULA-POLYCYSTIC KIDNEY SYNDROME; Acroosteolysis dominant type; ACROOSTEOLYSIS WITH OSTEOPOROSIS AND CHANGES IN SKULL AND MANDIBLE. Identifiers: Orphanet 955, MedGen C0917715, MONDO:0007057, OMIM 102500.

Allele frequency attached by ClinVar (database versions not stated): TOPMed below 0.00001; gnomAD 0.00001; gnomAD exomes 0.00001.
gnomAD v4.1: 6 of 1,614,026 alleles (0.00037%); highest among the groups gnomAD compares: Admixed American, 0.0083%; no homozygotes.

Submission:

Labcorp Genetics (formerly Invitae), Labcorp
Classification: Uncertain significance for Hajdu-Cheney syndrome. Last evaluated: 2025-01-07. Review status: criteria provided, single submitter. Criteria: Invitae Variant Classification Sherloc (09022015). Collection method: clinical testing. Allele origin: germline.
Comment: This sequence change replaces histidine, which is basic and polar, with arginine, which is basic and polar, at codon 1446 of the NOTCH2 protein (p.His1446Arg). This variant is present in population databases (no rsID available, gnomAD 0.006%). This variant has not been reported in the literature in individuals affected with NOTCH2-related conditions. ClinVar contains an entry for this variant (Variation ID: 1942243). Invitae Evidence Modeling of protein sequence and biophysical properties (such as structural, functional, and spatial information, amino acid conservation, physicochemical variation, residue mobility, and thermodynamic stability) indicates that this missense variant is not expected to disrupt NOTCH2 protein function with a negative predictive value of 80%. In summary, the available evidence is currently insufficient to determine the role of this variant in disease. Therefore, it has been classified as a Variant of Uncertain Significance.

NM_024408.4(NOTCH2):c.4337A>G (p.His1446Arg)

Gene: NOTCH2 (notch receptor 2; minus strand). Cytogenetic location: 1p12.
Variant type: single nucleotide variant.
Coding change: c.4337A>G on transcript NM_024408.4 (MANE Select); coding-DNA position 4337, A replaced by G.
Protein change: p.His1446Arg; replaces histidine 1446 with arginine.
Molecular consequence: missense variant.
Genome position (GRCh38, 1-based): chr1:119,925,479, T>C on the plus strand (A>G on the coding strand, the complement: NOTCH2 is on the minus strand). VCF-style: chr1-119925479-T-C. GRCh37 (hg19) VCF-style: chr1-120468102-T-C.
Other names: short protein forms H1446R.
Identifiers: ClinVar variation 1942243 (VCV001942243.5), dbSNP rs1271172639, ClinGen allele CA341890155.
Genomic context (GRCh38, chr1:119,925,479, plus strand): 5'-CAGTTGGCCCAGGGGTTCTCCATGGTGAGAGAACAGTCACCCCCATCCCACTGGCAGGCA[T>C]GGCTGTTGCAGGCCTCATCACAGACGCCATCCCGAGCTTTGTCGGCACAATACTGGCTCA-3'
Protein context (NP_077719.2, residues 1436-1456): DGVCDEACNS[His1446Arg]ACQWDGGDCS